The following is an entry in ClinVar:

ClinVar aggregate classification (germline): Pathogenic/Likely pathogenic. Review status: criteria provided, multiple submitters, no conflicts (2 of 4 stars). 4 submissions from 4 submitters: Pathogenic (1); Likely pathogenic (3). Last evaluated 2024-03-26.

Conditions:
Familial cancer of breast. Also called: Hereditary breast cancer; hereditary breast carcinoma; BREAST CANCER, FAMILIAL. Identifiers: Orphanet 227535, MedGen C0346153, MONDO:0016419, OMIM 114480. Disease mechanism: loss of function.
Hereditary cancer-predisposing syndrome. Also called: Hereditary neoplastic syndrome; Tumor predisposition; Hereditary Cancer Syndrome; Neoplastic Syndromes, Hereditary. Identifiers: Orphanet 140162, MedGen C0027672, MeSH D009386, MONDO:0015356.

Submissions (4):

Breast Care Center, Daerim St. Mary`s Hospital
Classification: Pathogenic for Hereditary cancer-predisposing syndrome. Last evaluated: 2024-03-26. Review status: criteria provided, single submitter. Criteria: ACMG Guidelines, 2015. Collection method: clinical testing. Allele origin: germline. Inheritance: Autosomal dominant inheritance. Affected: yes. Observed: 1 heterozygote.
Comment: This is a null variant affecting an intronic acceptor site in the CHEK2 gene, where loss of function is a known mechanism of disease. It is not found in the gnomAD genomes or exomes database.

Color Diagnostics, LLC DBA Color Health
Classification: Likely pathogenic for Hereditary cancer-predisposing syndrome. Last evaluated: 2023-04-05. Review status: criteria provided, single submitter. Criteria: ACMG Guidelines, 2015. Collection method: clinical testing. Allele origin: germline.
Comment: This variant deletes 13 basepairs in the intron 7 splice acceptor site of the CHEK2 gene, including a canonical splice site nucleotide at the -2 position. Splice site prediction tools predict that this variant may have a significant impact on RNA splicing. To our knowledge, functional studies have not been reported for this variant. This variant has not been reported in individuals affected with hereditary cancer in the literature. However, other canonical splice site variants, impacting the -2 and -1 positions in this splice acceptor site, have been reported as disease-causing (ClinVar variation ID: 240758, 822474) and have been observed in two affected and two unaffected individuals in a breast cancer case-control study (PMID: 30287823). This variant has not been identified in the general population by the Genome Aggregation Database (gnomAD). Loss of CHEK2 function is a known mechanism of disease. Based on the available evidence, this variant is classified as Likely Pathogenic.

MGZ Medical Genetics Center
Classification: Likely pathogenic for Familial cancer of breast. Last evaluated: 2022-04-27. Review status: criteria provided, single submitter. Criteria: ACMG Guidelines, 2015. Collection method: clinical testing. Allele origin: germline. Affected: yes. Observed: 1 variant allele.
Comment: ACMG criteria applied: PVS1, PM2_SUP

Ambry Genetics
Classification: Likely pathogenic for Hereditary cancer-predisposing syndrome. Last evaluated: 2019-04-12. Review status: criteria provided, single submitter. Criteria: Ambry Variant Classification Scheme 2023. Collection method: clinical testing. Allele origin: germline.
Comment: The c.847-14_847-2del13 intronic variant results from a deletion of 13 nucleotides within intron 6 of the CHEK2 gene. Using the BDGP and ESEfinder splice site prediction tools, this alteration is predicted to abolish the native splice acceptor site; however, direct evidence is unavailable. Alterations that disrupt the canonical splice site are expected to cause aberrant splicing, resulting in an abnormal protein or a transcript that is subject to nonsense-mediated mRNA decay. As such, this alteration is classified as likely pathogenic.

Literature cited by the submitters: PubMed 30287823 (cited by Color Diagnostics, LLC DBA Color Health).

NM_007194.4(CHEK2):c.847-14_847-2del

Gene: CHEK2 (checkpoint kinase 2; minus strand). Cytogenetic location: 22q12.1.
Variant type: Deletion.
Coding change: c.847-14_847-2del on transcript NM_007194.4 (MANE Select); 14 bases into the intron before coding-DNA position 847 through the canonical splice acceptor site of the intron before coding-DNA position 847, 13 bases deleted (CCCCCTCTTCTTA).
Molecular consequence: splice acceptor variant.
Genome position (GRCh38, 1-based): chr22:28,703,568-28,703,580, TAAGAAGAGGGGG deleted on the plus strand (CCCCCTCTTCTTA on the coding strand, the reverse complement: CHEK2 is on the minus strand). VCF-style (leftmost placement, unchanged base first): chr22-28703567-CTAAGAAGAGGGGG-C. GRCh37 (hg19) VCF-style: chr22-29099555-CTAAGAAGAGGGGG-C.
Other names: c.847-14_847-2del13 (NM_007194.3); c.847-14_847-2del (NM_007194.3, NM_145862.3); c.184-14_184-2del (NM_001437942.1, NM_001257387.3); c.646-14_646-2del (NM_001349956.3); c.940-14_940-2del (NM_001438295.1, NM_001438293.1); c.976-14_976-2del (NM_001438294.1, NM_001005735.3).
Identifiers: ClinVar variation 491647 (VCV000491647.10), dbSNP rs1293617484, ClinGen allele CA658684249.